The following is an entry in ClinVar:

NM_004006.3(DMD):c.8536G>T (p.Asp2846Tyr)

Gene: DMD (dystrophin; minus strand). Cytogenetic location: Xp21.2.
Variant type: single nucleotide variant.
Coding change: c.8536G>T on transcript NM_004006.3 (MANE Select); coding-DNA position 8536, G replaced by T.
Protein change: p.Asp2846Tyr; replaces aspartic acid 2846 with tyrosine.
Molecular consequence: missense variant.
Genome position (GRCh38, 1-based): chrX:31,496,799, C>A on the plus strand (G>T on the coding strand, the complement: DMD is on the minus strand). VCF-style: chrX-31496799-C-A. GRCh37 (hg19) VCF-style: chrX-31514916-C-A.
Other names: c.8512G>T, p.Asp2838Tyr (NM_000109.4); c.8524G>T, p.Asp2842Tyr (NM_004009.3); c.8167G>T, p.Asp2723Tyr (NM_004010.3); c.4513G>T, p.Asp1505Tyr (NM_004011.4); c.4504G>T, p.Asp1502Tyr (NM_004012.4); c.1156G>T, p.Asp386Tyr (NM_004013.3, NM_004020.4, NM_004021.3 and 2 more transcripts); c.349G>T, p.Asp117Tyr (NM_004014.3); short protein forms D117Y, D1502Y, D1505Y, D2723Y, D2838Y, D2842Y, D2846Y, D386Y.
Identifiers: ClinVar variation 3614163 (VCV003614163.2).

ClinVar aggregate classification (germline): Uncertain significance (1 of 4 stars; one submission).

Conditions:
Duchenne muscular dystrophy (DMD). Also called: MUSCULAR DYSTROPHY, PSEUDOHYPERTROPHIC PROGRESSIVE, DUCHENNE TYPE; Duchenne Muscular Dystrophy (DMD). Identifiers: Orphanet 98896, MedGen C0013264, MONDO:0010679, OMIM 310200.

gnomAD v4.1: 9 of 1,212,053 alleles (0.00074%); highest among the groups gnomAD compares: Non-Finnish European, 0.001%; no homozygotes.

Submission:

Labcorp Genetics (formerly Invitae), Labcorp
Classification: Uncertain significance for Duchenne muscular dystrophy. Last evaluated: 2024-11-11. Review status: criteria provided, single submitter. Criteria: Invitae Variant Classification Sherloc (09022015). Collection method: clinical testing. Allele origin: germline.
Comment: This sequence change replaces aspartic acid, which is acidic and polar, with tyrosine, which is neutral and polar, at codon 2846 of the DMD protein (p.Asp2846Tyr). The frequency data for this variant in the population databases is considered unreliable, as metrics indicate poor data quality at this position in the gnomAD database. This variant has not been reported in the literature in individuals affected with DMD-related conditions. Invitae Evidence Modeling of protein sequence and biophysical properties (such as structural, functional, and spatial information, amino acid conservation, physicochemical variation, residue mobility, and thermodynamic stability) indicates that this missense variant is not expected to disrupt DMD protein function with a negative predictive value of 95%. In summary, the available evidence is currently insufficient to determine the role of this variant in disease. Therefore, it has been classified as a Variant of Uncertain Significance.